The following is an entry in ClinVar:

ClinVar aggregate classification (germline): Likely pathogenic (1 of 4 stars; one submission).

Conditions:
Dilated cardiomyopathy 1S (CMD1S). Identifiers: Orphanet 154, Orphanet 54260, MedGen C1834481, MONDO:0013262, OMIM 613426.

Submission:

Illumina Laboratory Services, Illumina
Classification: Likely pathogenic for Dilated cardiomyopathy 1S. Last evaluated: 2019-10-29. Review status: criteria provided, single submitter. Criteria: ICSLVariantClassificationCriteria RUGD 01 April 2020. Collection method: clinical testing. Allele origin: unknown.
Comment: The MYH7 c.1559G>T (p.Cys520Phe) variant is a missense variant. A literature search was performed for the gene, cDNA change, and amino acid change. No publications were found based on this search. This variant is not found in Genome Aggregation Database in a region of good sequencing coverage so the variant is presumed to be rare. The variant lies within the myosin motor domain, which binds to actin, ATP, ADP, and Pi, and drives muscle contraction (Postma et al. 2011; Colegrave and Peckham, 2014). Based on the location of the residue in an important domain, the variant's absence from frequency databases, missense variants being a known mechanism of disease, and deleterious predictions by in silico tools, the p.Cys520Phe variant is classified as likely pathogenic for left ventricular noncompaction cardiomyopathy.

Literature cited by the submitters: PubMed 21127202; PubMed 25125180.

NM_000257.4(MYH7):c.1559G>T (p.Cys520Phe)

Gene: MYH7 (myosin heavy chain 7; minus strand). Cytogenetic location: 14q11.2.
Variant type: single nucleotide variant.
Coding change: c.1559G>T on transcript NM_000257.4 (MANE Select); coding-DNA position 1559, G replaced by T.
Protein change: p.Cys520Phe; replaces cysteine 520 with phenylalanine.
Molecular consequence: missense variant.
Genome position (GRCh38, 1-based): chr14:23,428,519, C>A on the plus strand (G>T on the coding strand, the complement: MYH7 is on the minus strand). VCF-style: chr14-23428519-C-A. GRCh37 (hg19) VCF-style: chr14-23897728-C-A.
Other names: short protein forms C520F.
Identifiers: ClinVar variation 973314 (VCV000973314.4), dbSNP rs1892789510, ClinGen allele CA389050325.
Genomic context (GRCh38, chr14:23,428,519, plus strand): 5'-GGTGTGCAGGGAGAATTCAGGTGGTAAGGCCAAAGAGGCACCTTCTCGATGAGGTCAATG[C>A]AGGCCTGCAGGTCCATGCCAAAGTCAATGAATGTCCACTCGATGCCCTCCTTCTTGTACT-3'
Protein context (NP_000248.2, residues 510-530): FIDFGMDLQA[Cys520Phe]IDLIEKPMGI